The following is an entry in ClinVar:

NM_000127.3(EXT1):c.409G>A (p.Ala137Thr)

Gene: EXT1 (exostosin glycosyltransferase 1; minus strand). Cytogenetic location: 8q24.11.
Variant type: single nucleotide variant.
Coding change: c.409G>A on transcript NM_000127.3 (MANE Select); coding-DNA position 409, G replaced by A.
Protein change: p.Ala137Thr; replaces alanine 137 with threonine.
Molecular consequence: missense variant.
Genome position (GRCh38, 1-based): chr8:118,110,638, C>T on the plus strand (G>A on the coding strand, the complement: EXT1 is on the minus strand). VCF-style: chr8-118110638-C-T. GRCh37 (hg19) VCF-style: chr8-119122877-C-T.
Other names: short protein forms A137T.
Identifiers: ClinVar variation 2146224 (VCV002146224.4), dbSNP rs1171135662, ClinGen allele CA371915915.

ClinVar aggregate classification (germline): Uncertain significance (1 of 4 stars; one submission).

Conditions:
Multiple congenital exostosis (EXT). Also called: Hereditary multiple osteochondromas; MULTIPLE CARTILAGINOUS EXOSTOSES; Hereditary multiple exostoses; Hereditary multiple exostosis; Multiple exostoses; Multiple osteochondromas. Identifiers: Orphanet 321, MedGen C0015306, MONDO:0005508, HP:0002762.

gnomAD v4.1: 5 of 1,614,162 alleles (0.00031%); highest among the groups gnomAD compares: Admixed American, 0.0067%; no homozygotes.

Submission:

Labcorp Genetics (formerly Invitae), Labcorp
Classification: Uncertain significance for Multiple congenital exostosis. Last evaluated: 2023-09-21. Review status: criteria provided, single submitter. Criteria: Invitae Variant Classification Sherloc (09022015). Collection method: clinical testing. Allele origin: germline.
Comment: This sequence change replaces alanine, which is neutral and non-polar, with threonine, which is neutral and polar, at codon 137 of the EXT1 protein (p.Ala137Thr). In summary, the available evidence is currently insufficient to determine the role of this variant in disease. Therefore, it has been classified as a Variant of Uncertain Significance. Advanced modeling of protein sequence and biophysical properties (such as structural, functional, and spatial information, amino acid conservation, physicochemical variation, residue mobility, and thermodynamic stability) performed at Invitae indicates that this missense variant is not expected to disrupt EXT1 protein function. ClinVar contains an entry for this variant (Variation ID: 2146224). This variant has not been reported in the literature in individuals affected with EXT1-related conditions. This variant is present in population databases (no rsID available, gnomAD 0.009%).